The following is an entry in ClinVar:

ClinVar aggregate classification (germline): Uncertain significance (1 of 4 stars; one submission).

Conditions:
Dyskeratosis congenita, autosomal dominant 1 (DKCA1). Also called: Dyskeratosis congenita Scoggins type. Identifiers: Orphanet 1775, MedGen C4551974, MONDO:0007485, OMIM 127550. Inheritance: Variable.

Submission:

Labcorp Genetics (formerly Invitae), Labcorp
Classification: Uncertain significance for Dyskeratosis congenita, autosomal dominant 1. Last evaluated: 2025-04-03. Review status: criteria provided, single submitter. Criteria: Invitae Variant Classification Sherloc (09022015). Collection method: clinical testing. Allele origin: germline.
Comment: This variant occurs in the TERC gene, which encodes an RNA molecule that does not result in a protein product. This variant is not present in population databases (gnomAD no frequency). This variant has not been reported in the literature in individuals affected with TERC-related conditions. ClinVar contains an entry for this variant (Variation ID: 2744757). This variant is located within the template/pseudoknot domain of the TERC RNA component, which is required for RNA or RNP stability (PMID: 15082312, 21844345). This variant is located in a region of TERC in which a significant number of disease causing variants have been reported (PMID: 15082312, 21844345, 21931702). These observations suggest that this may be a clinically significant region. In summary, the available evidence is currently insufficient to determine the role of this variant in disease. Therefore, it has been classified as a Variant of Uncertain Significance.

Literature cited by the submitters: PubMed 15082312; PubMed 21844345; PubMed 21931702.

NC_000003.12:g.169764956A>T

Genes: TERC (telomerase RNA component; minus strand), LOC110806306 (telomerase RNA component (TERC) promoter; plus strand). Cytogenetic location: 3q26.2.
Variant type: single nucleotide variant.
Genome position: GRCh38 VCF-style: chr3-169764956-A-T. GRCh37 (hg19) VCF-style: chr3-169482744-A-T.
Identifiers: ClinVar variation 2744757 (VCV002744757.3), dbSNP rs2474262472, ClinGen allele CA436715791.